The following is an entry in ClinVar:

ClinVar aggregate classification (germline): Uncertain significance (1 of 4 stars; one submission).

Conditions:
3-hydroxyisobutyryl-CoA hydrolase deficiency. Also called: VALINE METABOLIC DEFECT; Reduced circulating 3-hydroxyisobutyryl-CoA hydrolase activity; Deficiency of 3-hydroxyisobutyryl CoA hydrolase; HIBCH DEFICIENCY; METHACRYLIC ACID TOXICITY; METHACRYLIC ACIDURIA. Identifiers: Orphanet 88639, MedGen C0342738, MONDO:0009603, OMIM 250620, HP:6000215.

Allele frequency attached by ClinVar (database versions not stated): gnomAD exomes below 0.00001 and 0.00002; ExAC 0.00001; gnomAD 0.00001; TOPMed 0.00001; ESP Exome Variant Server 0.00008.
gnomAD v4.1: 32 of 1,611,328 alleles (0.002%); highest among the groups gnomAD compares: Non-Finnish European, 0.0026%; no homozygotes.

Submission:

Labcorp Genetics (formerly Invitae), Labcorp
Classification: Uncertain significance for 3-hydroxyisobutyryl-CoA hydrolase deficiency. Last evaluated: 2024-10-25. Review status: criteria provided, single submitter. Criteria: Invitae Variant Classification Sherloc (09022015). Collection method: clinical testing. Allele origin: germline.
Comment: This sequence change replaces threonine, which is neutral and polar, with isoleucine, which is neutral and non-polar, at codon 368 of the HIBCH protein (p.Thr368Ile). This variant is present in population databases (rs142607404, gnomAD 0.0009%). This variant has not been reported in the literature in individuals affected with HIBCH-related conditions. ClinVar contains an entry for this variant (Variation ID: 1524349). Invitae Evidence Modeling of protein sequence and biophysical properties (such as structural, functional, and spatial information, amino acid conservation, physicochemical variation, residue mobility, and thermodynamic stability) has been performed for this missense variant. However, the output from this modeling did not meet the statistical confidence thresholds required to predict the impact of this variant on HIBCH protein function. In summary, the available evidence is currently insufficient to determine the role of this variant in disease. Therefore, it has been classified as a Variant of Uncertain Significance.

NM_014362.4(HIBCH):c.1103C>T (p.Thr368Ile)

Gene: HIBCH (3-hydroxyisobutyryl-CoA hydrolase; minus strand). Cytogenetic location: 2q32.2.
Variant type: single nucleotide variant.
Coding change: c.1103C>T on transcript NM_014362.4 (MANE Select); coding-DNA position 1103, C replaced by T.
Protein change: p.Thr368Ile; replaces threonine 368 with isoleucine.
Molecular consequence: missense variant. On other transcripts: 3 prime UTR variant (1).
Genome position (GRCh38, 1-based): chr2:190,205,175, G>A on the plus strand (C>T on the coding strand, the complement: HIBCH is on the minus strand). VCF-style: chr2-190205175-G-A. GRCh37 (hg19) VCF-style: chr2-191069901-G-A.
Other names: c.*52C>T (NM_198047.3); short protein forms T368I.
Identifiers: ClinVar variation 1524349 (VCV001524349.8), dbSNP rs142607404, ClinGen allele CA2027341.
Genomic context (GRCh38, chr2:190,205,175, plus strand): 5'-CCTCAAAATTTCAAATCACTGCTTCCCAAAGACTTAAAGTGATTATTCAAATCTTCCTCA[G>A]TAACTTCTTTTAGATCAGCTGGTTTCCATTTTGGACTCTGGTCTTTATCAATTAAAACTG-3'
Protein context (NP_055177.2, residues 358-378): KWKPADLKEV[Thr368Ile]EEDLNNHFKS